The following is an entry in ClinVar:

ClinVar aggregate classification (germline): Uncertain significance (1 of 4 stars; one submission).

Conditions:
Holoprosencephaly 3 (HPE3). Identifiers: Orphanet 2162, MedGen C1840529, MONDO:0007733, OMIM 142945.

Submission:

Labcorp Genetics (formerly Invitae), Labcorp
Classification: Uncertain significance for Holoprosencephaly 3. Last evaluated: 2021-06-25. Review status: criteria provided, single submitter. Criteria: Invitae Variant Classification Sherloc (09022015). Collection method: clinical testing. Allele origin: germline.
Comment: In summary, the available evidence is currently insufficient to determine the role of this variant in disease. Therefore, it has been classified as a Variant of Uncertain Significance. Algorithms developed to predict the effect of sequence changes on RNA splicing suggest that this variant may create or strengthen a splice site, but this prediction has not been confirmed by published transcriptional studies. Algorithms developed to predict the effect of missense changes on protein structure and function are either unavailable or do not agree on the potential impact of this missense change (SIFT: "Deleterious"; PolyPhen-2: "Probably Damaging"; Align-GVGD: "Class C0"). This variant has not been reported in the literature in individuals with SHH-related conditions. This variant is not present in population databases (ExAC no frequency). This sequence change replaces glycine with valine at codon 210 of the SHH protein (p.Gly210Val). The glycine residue is highly conserved and there is a moderate physicochemical difference between glycine and valine.

NM_000193.4(SHH):c.629G>T (p.Gly210Val)

Gene: SHH (sonic hedgehog signaling molecule; minus strand). Cytogenetic location: 7q36.3.
Variant type: single nucleotide variant.
Coding change: c.629G>T on transcript NM_000193.4 (MANE Select); coding-DNA position 629, G replaced by T.
Protein change: p.Gly210Val; replaces glycine 210 with valine.
Molecular consequence: missense variant. On other transcripts: intron variant (1).
Genome position (GRCh38, 1-based): chr7:155,803,660, C>A on the plus strand (G>T on the coding strand, the complement: SHH is on the minus strand). VCF-style: chr7-155803660-C-A. GRCh37 (hg19) VCF-style: chr7-155596354-C-A.
Other names: c.301+2636G>T (NM_001310462.2); short protein forms G210V.
Identifiers: ClinVar variation 1464136 (VCV001464136.8), dbSNP rs1554493882, ClinGen allele CA370146641.